The following is an entry in ClinVar:

ClinVar aggregate classification (germline): Uncertain significance. Review status: criteria provided, multiple submitters, no conflicts (2 of 4 stars). 2 submissions from 2 submitters: Uncertain significance (2). Last evaluated 2025-11-26.

Allele frequency attached by ClinVar (database versions not stated): ESP Exome Variant Server 0.00008; ExAC 0.00018; TOPMed 0.00040; gnomAD 0.00041; 1000 Genomes Project 30x 0.00125; 1000 Genomes Project 0.00160.
gnomAD v4.1: 174 of 1,614,140 alleles (0.011%); highest among the groups gnomAD compares: Admixed American, 0.1%; no homozygotes.

Submissions (2):

Labcorp Genetics (formerly Invitae), Labcorp
Classification: Uncertain significance. Last evaluated: 2025-11-26. Review status: criteria provided, single submitter. Criteria: Invitae Variant Classification Sherloc (09022015). Collection method: clinical testing. Allele origin: germline.
Comment: This sequence change replaces threonine, which is neutral and polar, with methionine, which is neutral and non-polar, at codon 475 of the TOP1MT protein (p.Thr475Met). This variant is present in population databases (rs186023772, gnomAD 0.09%), and has an allele count higher than expected for a pathogenic variant. This variant has not been reported in the literature in individuals affected with TOP1MT-related conditions. ClinVar contains an entry for this variant (Variation ID: 2722442). Invitae Evidence Modeling of protein sequence and biophysical properties (such as structural, functional, and spatial information, amino acid conservation, physicochemical variation, residue mobility, and thermodynamic stability) indicates that this missense variant is not expected to disrupt TOP1MT protein function with a negative predictive value of 80%. In summary, the available evidence is currently insufficient to determine the role of this variant in disease. Therefore, it has been classified as a Variant of Uncertain Significance.

Ambry Genetics
Classification: Uncertain significance. Last evaluated: 2025-08-04. Review status: criteria provided, single submitter. Criteria: Ambry Variant Classification Scheme 2023. Collection method: clinical testing. Allele origin: germline.

NM_052963.3(TOP1MT):c.1424C>T (p.Thr475Met)

Gene: TOP1MT (DNA topoisomerase I mitochondrial; minus strand). Cytogenetic location: 8q24.3.
Variant type: single nucleotide variant.
Coding change: c.1424C>T on transcript NM_052963.3 (MANE Select); coding-DNA position 1424, C replaced by T.
Protein change: p.Thr475Met; replaces threonine 475 with methionine.
Molecular consequence: missense variant.
Genome position (GRCh38, 1-based): chr8:143,316,033, G>A on the plus strand (C>T on the coding strand, the complement: TOP1MT is on the minus strand). VCF-style: chr8-143316033-G-A. GRCh37 (hg19) VCF-style: chr8-144398203-G-A.
Other names: c.1130C>T, p.Thr377Met (NM_001258446.1, NM_001258447.1); c.1424C>T (NM_052963.1); short protein forms T475M, T377M.
Identifiers: ClinVar variation 2722442 (VCV002722442.4), dbSNP rs186023772, ClinGen allele CA4908311.